The following is an entry in ClinVar:

ClinVar aggregate classification (germline): Benign/Likely benign. Review status: criteria provided, multiple submitters, no conflicts (2 of 4 stars). 7 submissions from 7 submitters: Benign (4); Likely benign (3). Last evaluated 2026-02-04.

Conditions:
Cardiovascular phenotype. Identifiers: MedGen CN230736.
Alstrom syndrome (ALMS). Identifiers: Orphanet 64, MedGen C0268425, MONDO:0008763, OMIM 203800.

Allele frequency attached by ClinVar (database versions not stated): gnomAD exomes 0.00059; TOPMed 0.00072; ExAC 0.00174; 1000 Genomes Project 30x 0.00390; 1000 Genomes Project 0.00439.
gnomAD v4.1: 974 of 1,614,078 alleles (0.06%); highest among the groups gnomAD compares: East Asian, 2%; 18 homozygotes.

Submissions (7):

Labcorp Genetics (formerly Invitae), Labcorp
Classification: Benign for Alstrom syndrome. Last evaluated: 2026-02-04. Review status: criteria provided, single submitter. Criteria: Invitae Variant Classification Sherloc (09022015). Collection method: clinical testing. Allele origin: germline.

Women's Health and Genetics/Laboratory Corporation of America, LabCorp
Classification: Benign. Last evaluated: 2022-07-05. Review status: criteria provided, single submitter. Criteria: LabCorp Variant Classification Summary - May 2015. Collection method: clinical testing. Allele origin: germline.
Comment: Variant summary: ALMS1 c.2413G>C [p.Val805Leu] (also known as c.2419G>C, p.Val807Leu in RefSeq) results in a conservative amino acid change located in the Alstrom syndrome repeat (IPR040972) of the encoded protein sequence. Four of five in-silico tools predict a benign effect of the variant on protein function. The variant allele was found at a frequency of 0.0017 in 248984 control chromosomes (gnomAD), predominantly at a frequency of 0.023 within the East Asian subpopulation in the gnomAD database, including 8 homozygotes. The observed variant frequency within East Asian control individuals in the gnomAD database is approximately 13 fold of the estimated maximal expected allele frequency for a pathogenic variant in ALMS1 causing Alstrom Syndrome With Dilated Cardiomyopathy (0.0018), strongly suggesting that the variant is a benign polymorphism found primarily in populations of East Asian origin. To our knowledge, no occurrence of c.2413G>C in individuals affected with Alstrom Syndrome With Dilated Cardiomyopathy and no experimental evidence demonstrating its impact on protein function have been reported. Four ClinVar submitters have assessed the variant since 2014: one classified the variant as likely benign and three as benign. Based on the evidence outlined above, the variant was classified as benign.

Ambry Genetics
Classification: Likely benign for Cardiovascular phenotype. Last evaluated: 2019-05-21. Review status: criteria provided, single submitter. Criteria: Ambry Variant Classification Scheme 2023. Collection method: clinical testing. Allele origin: germline.

GeneDx
Classification: Benign. Last evaluated: 2019-02-18. Review status: criteria provided, single submitter. Criteria: GeneDx Variant Classification Process June 2021. Collection method: clinical testing. Allele origin: germline. Affected: yes.

Center for Pediatric Genomic Medicine, Children's Mercy Hospital and Clinics
Classification: Likely benign. Last evaluated: 2017-01-05. Review status: criteria provided, single submitter. Criteria: ACMG Guidelines, 2015. Collection method: clinical testing. Allele origin: germline.
ClinVar note: Converted during submission from Likely Benign to Likely benign.

Laboratory for Molecular Medicine, Mass General Brigham Personalized Medicine
Classification: Benign. Last evaluated: 2016-03-21. Review status: criteria provided, single submitter. Criteria: LMM Criteria. Collection method: clinical testing. Allele origin: germline. Observed: 1 variant allele.
Comment: p.Val805Leu in exon 8 of ALMS1: This variant is not expected to have clinical si gnificance because it has been identified in 2.39% (206/8616) of East Asian chro mosomes by the Exome Aggregation Consortium (ExAC, g; dbSNP rs138921247).

Breakthrough Genomics
Classification: Likely benign. Review status: criteria provided, single submitter. Criteria: ACMG Guidelines, 2015. Collection method: not provided. Allele origin: germline. Inheritance: Autosomal recessive inheritance. Affected: yes.

NM_001378454.1(ALMS1):c.2416G>C (p.Val806Leu)

Gene: ALMS1 (ALMS1 centrosome and basal body associated protein; plus strand). Cytogenetic location: 2p13.1.
Variant type: single nucleotide variant.
Coding change: c.2416G>C on transcript NM_001378454.1 (MANE Select); coding-DNA position 2416, G replaced by C.
Protein change: p.Val806Leu; replaces valine 806 with leucine.
Molecular consequence: missense variant.
Genome position (GRCh38, 1-based): chr2:73,448,943, G>C. VCF-style: chr2-73448943-G-C. GRCh37 (hg19) VCF-style: chr2-73676070-G-C.
Other names: c.2413G>C (NM_015120.4); c.2419G>C, p.Val807Leu (NM_015120.4); short protein forms V807L, V806L.
Identifiers: ClinVar variation 376953 (VCV000376953.23), dbSNP rs138921247, ClinGen allele CA1713339.
Genomic context (GRCh38, chr2:73,448,943, plus strand): 5'-GAGGGTCTGAAAGTTTCAGCTGTTGCTGGACCAGCTGACCAGAAGACTGGCCTACCAACA[G>C]TACCCTCTAGTGCATACTCACACAGAGAGAAGCTCCTTGTTTTCTACCAACAGGCCTTGC-3'
Protein context (NP_001365383.1, residues 796-816): PADQKTGLPT[Val806Leu]PSSAYSHREK